The following is an entry in ClinVar:

NM_001377458.1(CLCC1):c.439A>G (p.Lys147Glu)

Gene: CLCC1 (chloride channel CLIC like 1; minus strand). Cytogenetic location: 1p13.3.
Variant type: single nucleotide variant.
Coding change: c.439A>G on transcript NM_001377458.1 (MANE Select); coding-DNA position 439, A replaced by G.
Protein change: p.Lys147Glu; replaces lysine 147 with glutamic acid.
Molecular consequence: missense variant. On other transcripts: non-coding transcript variant (1), intron variant (3).
Genome position (GRCh38, 1-based): chr1:108,943,958, T>C on the plus strand (A>G on the coding strand, the complement: CLCC1 is on the minus strand). VCF-style: chr1-108943958-T-C. GRCh37 (hg19) VCF-style: chr1-109486580-T-C.
Other names: c.439A>G, p.Lys147Glu (NM_001048210.3, NM_001377459.1, NM_001377460.1 and 8 more transcripts); c.337A>G, p.Lys113Glu (NM_001377469.1); c.148A>G, p.Lys50Glu (NM_001377470.1); c.340-51A>G (NM_015127.5); c.340-2460A>G (NM_001278202.2); c.339+3653A>G (NM_001278203.1); short protein forms K147E, K113E, K50E.
Identifiers: ClinVar variation 2099503 (VCV002099503.4), dbSNP rs1553221326, ClinGen allele CA983593.
Genomic context (GRCh38, chr1:108,943,958, plus strand): 5'-AATCATGAAACTTAAAATTAATTAAAATATCACTTAGTGCATCATCCAAGGCACCTGGTT[T>C]CCAGTCTTCTCCATTGAGAAACTTCTGTATTTCTAACAAAGTTTCTCTTTTAAGGATAAT-3'
Protein context (NP_001364387.1, residues 137-157): IQKFLNGEDW[Lys147Glu]PGALDDALSD

ClinVar aggregate classification (germline): Uncertain significance (1 of 4 stars; one submission).

Allele frequency attached by ClinVar (database versions not stated): gnomAD exomes below 0.00001; ExAC 0.00001.
gnomAD v4.1: 1 of 1,613,560 alleles (0.000062%); highest among the groups gnomAD compares: South Asian, 0.0011%; no homozygotes.

Submission:

Labcorp Genetics (formerly Invitae), Labcorp
Classification: Uncertain significance. Last evaluated: 2022-02-19. Review status: criteria provided, single submitter. Criteria: Invitae Variant Classification Sherloc (09022015). Collection method: clinical testing. Allele origin: germline.
Comment: In summary, the available evidence is currently insufficient to determine the role of this variant in disease. Therefore, it has been classified as a Variant of Uncertain Significance. Algorithms developed to predict the effect of missense changes on protein structure and function are either unavailable or do not agree on the potential impact of this missense change (SIFT: "Deleterious"; PolyPhen-2: "Possibly Damaging"; Align-GVGD: "Class C0"). This variant has not been reported in the literature in individuals affected with CLCC1-related conditions. This variant is present in population databases (no rsID available, gnomAD 0.003%). This sequence change replaces lysine, which is basic and polar, with glutamic acid, which is acidic and polar, at codon 147 of the CLCC1 protein (p.Lys147Glu).